The following is an entry in ClinVar:

ClinVar aggregate classification (germline): Benign. Review status: criteria provided, multiple submitters, no conflicts (2 of 4 stars). 10 submissions from 10 submitters: Benign (7). 3 of the submissions do not count toward it. Last evaluated 2026-02-04.

Conditions:
Hyperalphalipoproteinemia 1 (HALP1). Also called: CETP-Related Hyperalphalipoproteinemia; CETP DEFICIENCY. Identifiers: MedGen C3149462, OMIM 143470.
High density lipoprotein cholesterol level quantitative trait locus 10. Identifiers: MedGen C3149463.
Coronary artery disorder. Also called: Disorder of coronary artery; Coronary artery disease. Identifiers: MedGen C1956346, MeSH D003324, MONDO:0005010.

Allele frequency attached by ClinVar (database versions not stated): 1000 Genomes Project 30x 0.52936; 1000 Genomes Project 0.53395; TOPMed 0.58014; gnomAD 0.58912 and 0.59015; ExAC 0.61648; gnomAD exomes 0.61864 and 0.65884.
gnomAD v4.1: 1,051,218 of 1,613,398 alleles (65%); highest among the groups gnomAD compares: Non-Finnish European, 68%; 346,892 homozygotes.

Submissions (10):

Labcorp Genetics (formerly Invitae), Labcorp
Classification: Benign. Last evaluated: 2026-02-04. Review status: criteria provided, single submitter. Criteria: Invitae Variant Classification Sherloc (09022015). Collection method: clinical testing. Allele origin: germline.

Molecular Diagnostic Laboratory for Inherited Cardiovascular Disease, Montreal Heart Institute
Classification: Benign. Last evaluated: 2025-04-09. Review status: criteria provided, single submitter. Criteria: ACMG Guidelines, 2015. Collection method: clinical testing. Allele origin: germline. Affected: no.

Rasad Genetic Department, Rasad Pathobiology and Genetic Laboratory
Classification: Benign for Coronary artery disorder. Last evaluated: 2022-05-12. Review status: criteria provided, single submitter. Criteria: ACMG Guidelines, 2015. Collection method: clinical testing. Allele origin: germline. Affected: yes.

Mayo Clinic Laboratories, Mayo Clinic
Classification: Benign. Last evaluated: 2022-03-20. Review status: criteria provided, single submitter. Criteria: ACMG Guidelines, 2015. Collection method: clinical testing. Allele origin: germline. Observed: 534 variant alleles.
Comment: BA1

GeneDx
Classification: Benign. Last evaluated: 2018-08-30. Review status: criteria provided, single submitter. Criteria: GeneDx Variant Classification Process June 2021. Collection method: clinical testing. Allele origin: germline. Affected: yes.
Comment: This variant is associated with the following publications: (PMID: 10092998, 23977315, 25260850, 22464147, 21767357, 20068209, 14559957, 19242900, 23274582, 22122979)

Illumina Laboratory Services, Illumina
Classification: Benign for Hyperalphalipoproteinemia 1. Last evaluated: 2017-04-27. Review status: criteria provided, single submitter. Criteria: ICSL Variant Classification Criteria 13 December 2019. Collection method: clinical testing. Allele origin: germline.
Comment: This variant was observed as part of a predisposition screen in an ostensibly healthy population. A literature search was performed for the gene, cDNA change, and amino acid change (where applicable). No publications were found based on this search. Allele frequency data from public databases was too high to be consistent with this variant causing disease. Therefore, this variant is classified as benign.

Breakthrough Genomics
Classification: Benign. Review status: criteria provided, single submitter. Criteria: ACMG Guidelines, 2015. Collection method: not provided. Allele origin: germline. Inheritance: Autosomal dominant inheritance. Affected: yes.

OMIM
Classification: association for HIGH DENSITY LIPOPROTEIN CHOLESTEROL LEVEL QUANTITATIVE TRAIT LOCUS 10. Last evaluated: 2010-01-13. Review status: no assertion criteria provided. Collection method: literature only. Allele origin: germline. Not counted in ClinVar's aggregate classification.

Clinical Genetics, Academic Medical Center
Classification: Benign. Review status: no assertion criteria provided. Collection method: clinical testing. Allele origin: germline. Affected: yes. Study: VKGL Data-share Consensus. Not counted in ClinVar's aggregate classification.

Diagnostic Laboratory, Department of Genetics, University Medical Center Groningen
Classification: Benign for Hyperalphalipoproteinemia 1. Review status: no assertion criteria provided. Collection method: clinical testing. Allele origin: germline. Affected: yes. Study: VKGL Data-share Consensus. Not counted in ClinVar's aggregate classification.

Literature cited by the submitters: PubMed 14559957 (cited by OMIM); PubMed 17190939 (cited by OMIM); PubMed 20068209 (cited by OMIM).

NM_000078.3(CETP):c.1264G>A (p.Val422Ile)

Gene: CETP (cholesteryl ester transfer protein; plus strand). Cytogenetic location: 16q13.
Variant type: single nucleotide variant.
Coding change: c.1264G>A on transcript NM_000078.3 (MANE Select); coding-DNA position 1264, G replaced by A.
Protein change: p.Val422Ile; replaces valine 422 with isoleucine.
Molecular consequence: missense variant.
Genome position (GRCh38, 1-based): chr16:56,982,180, G>A. VCF-style: chr16-56982180-G-A. GRCh37 (hg19) VCF-style: chr16-57016092-G-A.
Other names: I405V; c.1084G>A, p.Val362Ile (NM_001286085.2); short protein forms V422I, V362I.
Identifiers: ClinVar variation 17525 (VCV000017525.20), dbSNP rs5882, ClinGen allele CA127242.
Genomic context (GRCh38, chr16:56,982,180, plus strand): 5'-CTTCTGTGCTCCAGGGAGGACTCACCATGGGCATTTGATTGGCAGAGCAGCTCCGAGTCC[G>A]TCCAGAGCTTCCTGCAGTCAATGATCACCGCTGTGGGCATCCCTGAGGTCATGTCTCGTA-3'
Protein context (NP_000069.2, residues 412-432): SNLTESSSES[Val422Ile]QSFLQSMITA